The following is an entry in ClinVar:

ClinVar aggregate classification (germline): Uncertain significance (1 of 4 stars; one submission).

Conditions:
Peroxisome biogenesis disorder, complementation group 7 (CG7). Also called: Peroxisome biogenesis disorder, complementation group B. Identifiers: MedGen C1864399.

Submission:

Labcorp Genetics (formerly Invitae), Labcorp
Classification: Uncertain significance for Peroxisome biogenesis disorder, complementation group 7. Last evaluated: 2022-11-22. Review status: criteria provided, single submitter. Criteria: Invitae Variant Classification Sherloc (09022015). Collection method: clinical testing. Allele origin: germline.
Comment: In summary, the available evidence is currently insufficient to determine the role of this variant in disease. Therefore, it has been classified as a Variant of Uncertain Significance. Algorithms developed to predict the effect of missense changes on protein structure and function are either unavailable or do not agree on the potential impact of this missense change (SIFT: "Tolerated"; PolyPhen-2: "Probably Damaging"; Align-GVGD: "Class C0"). ClinVar contains an entry for this variant (Variation ID: 1362395). This variant has not been reported in the literature in individuals affected with PEX10-related conditions. This variant is not present in population databases (gnomAD no frequency). This sequence change replaces leucine, which is neutral and non-polar, with phenylalanine, which is neutral and non-polar, at codon 60 of the PEX10 protein (p.Leu60Phe).

NM_002617.4(PEX10):c.178C>T (p.Leu60Phe)

Gene: PEX10 (peroxisomal biogenesis factor 10; minus strand). Cytogenetic location: 1p36.32.
Variant type: single nucleotide variant.
Coding change: c.178C>T on transcript NM_002617.4 (MANE Select); coding-DNA position 178, C replaced by T.
Protein change: p.Leu60Phe; replaces leucine 60 with phenylalanine.
Molecular consequence: missense variant. On other transcripts: 5 prime UTR variant (2), non-coding transcript variant (1).
Genome position (GRCh38, 1-based): chr1:2,410,386, G>A on the plus strand (C>T on the coding strand, the complement: PEX10 is on the minus strand). VCF-style: chr1-2410386-G-A. GRCh37 (hg19) VCF-style: chr1-2341825-G-A.
Other names: c.178C>T, p.Leu60Phe (NM_001374425.1, NM_153818.2); c.-255C>T (NM_001374426.1, NM_001374427.1); short protein forms L60F.
Identifiers: ClinVar variation 1362395 (VCV001362395.7), dbSNP rs2100434691, ClinGen allele CA337989293.